The following is an entry in ClinVar:

ClinVar aggregate classification (germline): Pathogenic/Likely pathogenic. Review status: criteria provided, multiple submitters, no conflicts (2 of 4 stars). 4 submissions from 3 submitters: Pathogenic (3); Likely pathogenic (1). Last evaluated 2022-10-04.

Conditions:
Neurodevelopmental disorder. Identifiers: MedGen C1535926, MeSH D065886, MONDO:0700092.
Severe intellectual disability. Identifiers: MedGen C0036857, HP:0010864.
Microphthalmia, syndromic 1 (MCOPS1). Also called: ANOP1. Identifiers: Orphanet 568, Orphanet 85275, MedGen C0796016, MONDO:0010671, OMIM 309800.
Intellectual disability. Also called: Intellectual functioning disability; Intellectual developmental disorder; intellectual disabilities. Identifiers: MedGen C3714756, MeSH D008607, MONDO:0001071, HP:0001249.

Submissions (4):

Genetics Laboratory, UDIAT-Centre Diagnòstic, Hospital Universitari Parc Tauli
Classification: Pathogenic for Microphthalmia, syndromic 1. Last evaluated: 2022-10-04. Review status: criteria provided, single submitter. Criteria: Parc Tauli Hospital Assertion Criteria 2021. Collection method: clinical testing. Allele origin: unknown. Inheritance: X-linked inheritance. Affected: yes.
Comment: PS1;PS3;PM1;PM2_supporting

Universitätsklinikum Salzburg, Universitätskinderklinik
Classification: Pathogenic for Intellectual disability. Last evaluated: 2020-06-01. Review status: criteria provided, single submitter. Criteria: ACMG Guidelines, 2015. Collection method: clinical testing, in vitro. Allele origin: de novo, not applicable. Inheritance: X-linked inheritance. Affected: yes. Observed: 1 heterozygote. Functional consequence: variation affecting protein function.
Comment: Additionally, in vitro functional studies indicate that the His16Pro variant impairs NatA complex formation and NatA catalytic activity. In summary, the His16Pro variant meets the criteria to be classified as pathogenic based upon segregation studies, absence from controls, and functional evidence.

Universitätsklinikum Salzburg, Universitätskinderklinik
Classification: Pathogenic for Severe intellectual disability. Last evaluated: 2020-02-26. Review status: criteria provided, single submitter. Criteria: ACMG Guidelines, 2015. Collection method: clinical testing. Allele origin: de novo. Inheritance: X-linked inheritance. Affected: yes. Observed: 1 heterozygote.

Laboratory for Molecular Medicine, Mass General Brigham Personalized Medicine
Classification: Likely pathogenic for Neurodevelopmental disorder. Last evaluated: 2019-11-21. Review status: criteria provided, single submitter. Criteria: LMM Criteria. Collection method: clinical testing. Allele origin: germline. Inheritance: X-linked inheritance. Observed: 1 variant allele.
Comment: The p.His16Pro variant in NAA10 has not been previously reported in individuals with neurodevelopmental disorder and was absent from large population studies. Computational prediction tools and conservation analysis support that the variant impacts protein function, though this information is not predictive enough to determine pathogenicity on its own. The number of missense variants reported in this region of the NAA10 gene in the general population is lower than expected, suggesting that a missense variant in this region may not be tolerated. In summary, this variant meets criteria to be classified as likely pathogenic for neurodevelopmental disorder with X-linked inheritance based upon de novo occurrence, absence from the general population, and computational predictions. ACMG/AMP Criteria applied: PS2_Moderate, PM2, PP3, PP2.

NM_003491.4(NAA10):c.47A>C (p.His16Pro)

Gene: NAA10 (N-alpha-acetyltransferase 10, NatA catalytic subunit; minus strand). Cytogenetic location: Xq28.
Variant type: single nucleotide variant.
Coding change: c.47A>C on transcript NM_003491.4 (MANE Select); coding-DNA position 47, A replaced by C.
Protein change: p.His16Pro; replaces histidine 16 with proline.
Molecular consequence: missense variant.
Genome position (GRCh38, 1-based): chrX:153,934,450, T>G on the plus strand (A>C on the coding strand, the complement: NAA10 is on the minus strand). VCF-style: chrX-153934450-T-G. GRCh37 (hg19) VCF-style: chrX-153199903-T-G.
Other names: c.47A>C, p.His16Pro (NM_001256119.2, NM_001256120.2); short protein forms H16P.
Identifiers: ClinVar variation 916544 (VCV000916544.8), dbSNP rs2065185202, ClinGen allele CA415162602.